The following is an entry in ClinVar:

ClinVar aggregate classification (germline): Pathogenic (1 of 4 stars; one submission).

Conditions:
Duchenne muscular dystrophy (DMD). Also called: MUSCULAR DYSTROPHY, PSEUDOHYPERTROPHIC PROGRESSIVE, DUCHENNE TYPE; Duchenne Muscular Dystrophy (DMD). Identifiers: Orphanet 98896, MedGen C0013264, MONDO:0010679, OMIM 310200.

Submission:

Labcorp Genetics (formerly Invitae), Labcorp
Classification: Pathogenic for Duchenne muscular dystrophy. Last evaluated: 2019-12-16. Review status: criteria provided, single submitter. Criteria: Invitae Variant Classification Sherloc (09022015). Collection method: clinical testing. Allele origin: germline.
Comment: This variant is an in-frame deletion of the genomic region encompassing exons 45-47 of the DMD gene. It preserves the integrity of the reading frame. Similar deletions involving exons 45-47 have been reported in individuals affected with Duchenne or Becker muscular dystrophy (PMID: 2063877, 11257468, 16566881, 19449031, 22090376) and in individuals affected with dilated cardiomyopathy (PMID: 21851881). For these reasons, this variant has been classified as Pathogenic.

Literature cited by the submitters: PubMed 22090376; PubMed 21851881; PubMed 11257468; PubMed 19449031; PubMed 16566881; PubMed 2063877.

NC_000023.11:g.(?_31929586)_(31968524_?)del

Gene: DMD (dystrophin; minus strand). Cytogenetic location: Xp21.1.
Variant type: Deletion.
Identifiers: ClinVar variation 640446 (VCV000640446.2).